The following is an entry in ClinVar:

NM_001148.6(ANK2):c.140T>C (p.Val47Ala)

Gene: ANK2 (ankyrin 2; plus strand). Cytogenetic location: 4q25.
Variant type: single nucleotide variant.
Coding change: c.140T>C on transcript NM_001148.6 (MANE Select); coding-DNA position 140, T replaced by C.
Protein change: p.Val47Ala; replaces valine 47 with alanine.
Molecular consequence: missense variant.
Genome position (GRCh38, 1-based): chr4:113,174,471, T>C. VCF-style: chr4-113174471-T-C. GRCh37 (hg19) VCF-style: chr4-114095627-T-C.
Other names: c.77T>C, p.Val26Ala (NM_001127493.3, NM_001354239.2, NM_001354243.2 and 33 more transcripts); c.140T>C, p.Val47Ala (NM_001354225.2, NM_001354228.2, NM_001354232.2 and 9 more transcripts); c.185T>C, p.Val62Ala (NM_001354230.2, NM_001354231.2, NM_001354237.2 and 5 more transcripts); c.122T>C, p.Val41Ala (NM_001354261.2, NM_001386147.1, NM_001386160.1); c.128T>C, p.Val43Ala (NM_001354269.3, NM_001386148.2, NM_001386186.2 and 1 more transcripts); c.191T>C, p.Val64Ala (NM_001386174.1, NM_001386175.1); short protein forms V26A, V43A, V41A, V47A, V62A, V64A.
Identifiers: ClinVar variation 863811 (VCV000863811.7), dbSNP rs555003393, ClinGen allele CA3049940.

ClinVar aggregate classification (germline): Uncertain significance (1 of 4 stars; one submission).

Conditions:
Long QT syndrome (LQTS). Identifiers: MedGen C0023976, MeSH D008133, MONDO:0002442. Disease mechanism: loss of function. Inheritance: Various modes of inheritance.

Allele frequency attached by ClinVar (database versions not stated): gnomAD 0.00001; gnomAD exomes 0.00001 and 0.00003; ExAC 0.00003; 1000 Genomes Project 0.00020; 1000 Genomes Project 30x 0.00031.
gnomAD v4.1: 17 of 1,613,204 alleles (0.0011%); highest among the groups gnomAD compares: South Asian, 0.018%; no homozygotes.

Submission:

Labcorp Genetics (formerly Invitae), Labcorp
Classification: Uncertain significance for Long QT syndrome. Last evaluated: 2019-12-15. Review status: criteria provided, single submitter. Criteria: Invitae Variant Classification Sherloc (09022015). Collection method: clinical testing. Allele origin: germline.
Comment: In summary, the available evidence is currently insufficient to determine the role of this variant in disease. Therefore, it has been classified as a Variant of Uncertain Significance. Algorithms developed to predict the effect of missense changes on protein structure and function are either unavailable or do not agree on the potential impact of this missense change (SIFT: "Deleterious"; PolyPhen-2: "Probably Damaging"; Align-GVGD: "Class C0"). This variant has not been reported in the literature in individuals with ANK2-related conditions. This variant is present in population databases (rs555003393, ExAC 0.03%). This sequence change replaces valine with alanine at codon 47 of the ANK2 protein (p.Val47Ala). The valine residue is moderately conserved and there is a small physicochemical difference between valine and alanine.